The following is an entry in ClinVar:

NM_002473.6(MYH9):c.2592G>A (p.Ala864=)

Gene: MYH9 (myosin heavy chain 9; minus strand). Cytogenetic location: 22q12.3.
Variant type: single nucleotide variant.
Coding change: c.2592G>A on transcript NM_002473.6 (MANE Select); coding-DNA position 2592, G replaced by A.
Protein change: p.Ala864=; no amino-acid change (alanine 864 retained).
Molecular consequence: synonymous variant.
Genome position (GRCh38, 1-based): chr22:36,301,573, C>T on the plus strand (G>A on the coding strand, the complement: MYH9 is on the minus strand). VCF-style: chr22-36301573-C-T. GRCh37 (hg19) VCF-style: chr22-36697619-C-T.
Identifiers: ClinVar variation 2175371 (VCV002175371.5), dbSNP rs556315321, ClinGen allele CA10209930.

ClinVar aggregate classification (germline): Benign/Likely benign. Review status: criteria provided, multiple submitters, no conflicts (2 of 4 stars). 2 submissions from 2 submitters: Benign (1); Likely benign (1). Last evaluated 2026-03-19.

Conditions:
MYH9-related disorder. Identifiers: MedGen C1854520.

Allele frequency attached by ClinVar (database versions not stated): TOPMed 0.00002; gnomAD exomes 0.00004; gnomAD 0.00005; ExAC 0.00011; 1000 Genomes Project 0.00060; 1000 Genomes Project 30x 0.00062.
gnomAD v4.1: 73 of 1,613,992 alleles (0.0045%); highest among the groups gnomAD compares: South Asian, 0.025%; no homozygotes.

Submissions (2):

PreventionGenetics, part of Exact Sciences
Classification: Likely benign for MYH9-related condition. Last evaluated: 2026-03-19. Review status: criteria provided, single submitter. Criteria: ACMG Guidelines, 2015. Collection method: clinical testing. Allele origin: germline.
Comment: This variant is classified as likely benign based on ACMG/AMP sequence variant interpretation guidelines (Richards et al. 2015 PMID: 25741868, with internal and published modifications).

Labcorp Genetics (formerly Invitae), Labcorp
Classification: Benign. Last evaluated: 2025-09-03. Review status: criteria provided, single submitter. Criteria: Invitae Variant Classification Sherloc (09022015). Collection method: clinical testing. Allele origin: germline.